The following is an entry in ClinVar:

ClinVar aggregate classification (germline): Uncertain significance (1 of 4 stars; one submission).

Conditions:
Baller-Gerold syndrome (BGS). Also called: CRANIOSYNOSTOSIS WITH RADIAL DEFECTS. Identifiers: Orphanet 1225, MedGen C0265308, MONDO:0009039, OMIM 218600.

Submission:

Labcorp Genetics (formerly Invitae), Labcorp
Classification: Uncertain significance for Baller-Gerold syndrome. Last evaluated: 2023-02-14. Review status: criteria provided, single submitter. Criteria: Invitae Variant Classification Sherloc (09022015). Collection method: clinical testing. Allele origin: germline.
Comment: This sequence change replaces leucine, which is neutral and non-polar, with arginine, which is basic and polar, at codon 590 of the RECQL4 protein (p.Leu590Arg). This variant is not present in population databases (gnomAD no frequency). This variant has not been reported in the literature in individuals affected with RECQL4-related conditions. ClinVar contains an entry for this variant (Variation ID: 1057818). Advanced modeling of protein sequence and biophysical properties (such as structural, functional, and spatial information, amino acid conservation, physicochemical variation, residue mobility, and thermodynamic stability) performed at Invitae indicates that this missense variant is not expected to disrupt RECQL4 protein function. In summary, the available evidence is currently insufficient to determine the role of this variant in disease. Therefore, it has been classified as a Variant of Uncertain Significance.

NM_004260.4(RECQL4):c.1769T>G (p.Leu590Arg)

Gene: RECQL4 (RecQ like helicase 4; minus strand). Cytogenetic location: 8q24.3.
Variant type: single nucleotide variant.
Coding change: c.1769T>G on transcript NM_004260.4 (MANE Select); coding-DNA position 1769, T replaced by G.
Protein change: p.Leu590Arg; replaces leucine 590 with arginine.
Molecular consequence: missense variant.
Genome position (GRCh38, 1-based): chr8:144,514,298, A>C on the plus strand (T>G on the coding strand, the complement: RECQL4 is on the minus strand). VCF-style: chr8-144514298-A-C. GRCh37 (hg19) VCF-style: chr8-145739682-A-C.
Other names: short protein forms L590R.
Identifiers: ClinVar variation 1057818 (VCV001057818.5), dbSNP rs772166765, ClinGen allele CA372681013.